The following is an entry in ClinVar:

ClinVar aggregate classification (germline): Uncertain significance. Review status: criteria provided, multiple submitters, no conflicts (2 of 4 stars). 2 submissions from 2 submitters: Uncertain significance (2). Last evaluated 2025-01-04.

Conditions:
Inborn genetic diseases. Identifiers: MedGen C0950123, MeSH D030342.
Fanconi anemia complementation group A (FANCA). Also called: FANCA-Related Fanconi Anemia; Fanconi anemia, group A. Identifiers: Orphanet 84, MedGen C3469521, MONDO:0009215, OMIM 227650.

Submissions (2):

Ambry Genetics
Classification: Uncertain significance for Inborn genetic diseases. Last evaluated: 2025-01-04. Review status: criteria provided, single submitter. Criteria: Ambry Variant Classification Scheme 2023. Collection method: clinical testing. Allele origin: germline.
Comment: The p.N986S variant (also known as c.2957A>G), located in coding exon 30 of the FANCA gene, results from an A to G substitution at nucleotide position 2957. The asparagine at codon 986 is replaced by serine, an amino acid with highly similar properties. This amino acid position is conserved. In addition, this alteration is predicted to be tolerated by in silico analysis. Based on the available evidence, the clinical significance of this variant remains unclear.

Fulgent Genetics
Classification: Uncertain significance for Fanconi anemia complementation group A. Last evaluated: 2024-05-27. Review status: criteria provided, single submitter. Criteria: ACMG Guidelines, 2015. Collection method: clinical testing. Allele origin: germline.

NM_000135.4(FANCA):c.2957A>G (p.Asn986Ser)

Gene: FANCA (FA complementation group A; minus strand). Cytogenetic location: 16q24.3.
Variant type: single nucleotide variant.
Coding change: c.2957A>G on transcript NM_000135.4 (MANE Select); coding-DNA position 2957, A replaced by G.
Protein change: p.Asn986Ser; replaces asparagine 986 with serine.
Molecular consequence: missense variant.
Genome position (GRCh38, 1-based): chr16:89,758,601, T>C on the plus strand (A>G on the coding strand, the complement: FANCA is on the minus strand). VCF-style: chr16-89758601-T-C. GRCh37 (hg19) VCF-style: chr16-89825009-T-C.
Other names: c.2957A>G, p.Asn986Ser (NM_001286167.3); short protein forms N986S.
Identifiers: ClinVar variation 3581482 (VCV003581482.2).